The following is an entry in ClinVar:

ClinVar aggregate classification (germline): Uncertain significance (1 of 4 stars; one submission).

Conditions:
RASopathy. Also called: rasopathies; Noonan spectrum disorder. Identifiers: Orphanet 536391, MedGen C5555857, MONDO:0021060.

Submission:

Labcorp Genetics (formerly Invitae), Labcorp
Classification: Uncertain significance for RASopathy. Last evaluated: 2024-03-31. Review status: criteria provided, single submitter. Criteria: Invitae Variant Classification Sherloc (09022015). Collection method: clinical testing. Allele origin: germline.
Comment: This sequence change replaces alanine, which is neutral and non-polar, with valine, which is neutral and non-polar, at codon 52 of the MAP2K1 protein (p.Ala52Val). This variant is not present in population databases (gnomAD no frequency). This variant has not been reported in the literature in individuals affected with MAP2K1-related conditions. Advanced modeling of protein sequence and biophysical properties (such as structural, functional, and spatial information, amino acid conservation, physicochemical variation, residue mobility, and thermodynamic stability) performed at Invitae indicates that this missense variant is not expected to disrupt MAP2K1 protein function with a negative predictive value of 80%. In summary, the available evidence is currently insufficient to determine the role of this variant in disease. Therefore, it has been classified as a Variant of Uncertain Significance.

NM_002755.4(MAP2K1):c.155C>T (p.Ala52Val)

Gene: MAP2K1 (mitogen-activated protein kinase kinase 1; plus strand). Cytogenetic location: 15q22.31.
Variant type: single nucleotide variant.
Coding change: c.155C>T on transcript NM_002755.4 (MANE Select); coding-DNA position 155, C replaced by T.
Protein change: p.Ala52Val; replaces alanine 52 with valine.
Molecular consequence: missense variant.
Genome position (GRCh38, 1-based): chr15:66,435,101, C>T. VCF-style: chr15-66435101-C-T. GRCh37 (hg19) VCF-style: chr15-66727439-C-T.
Other names: c.89C>T, p.Ala30Val (NM_001411065.1); short protein forms A30V, A52V.
Identifiers: ClinVar variation 3617258 (VCV003617258.2).